The following is an entry in ClinVar:

ClinVar aggregate classification (germline): Likely pathogenic (1 of 4 stars; one submission).

Conditions:
Wilson disease (WND). Also called: Wilson's disease. Identifiers: Orphanet 905, MedGen C0019202, MONDO:0010200, OMIM 277900. Disease mechanism: loss of function.

Submission:

Laboratory for Molecular Medicine, Mass General Brigham Personalized Medicine
Classification: Likely pathogenic for Wilson disease. Last evaluated: 2020-06-11. Review status: criteria provided, single submitter. Criteria: ACMG Guidelines, 2015. Collection method: clinical testing. Allele origin: germline.
Comment: The p.Ile1338HisfsX40 variant in ATP7B has not been previously reported in individuals with Wilson syndrome or in large population studies. This variant is predicted to cause a frameshift, which alters the protein’s amino acid sequence beginning at position 1338 and leads to a premature termination codon 40 amino acids downstream. This alteration is then predicted to lead to a truncated or absent protein. Loss of function of the ATP7B gene is an established disease mechanism in autosomal recessive Wilson disease. In summary, although additional studies are required to fully establish its clinical significance, this variant meets criteria to be classified as likely pathogenic for autosomal recessive Wilson disease. ACMG/AMP Criteria applied: PVS1, PM2.

NM_000053.4(ATP7B):c.4011dup (p.Ile1338fs)

Gene: ATP7B (ATPase copper transporting beta; minus strand). Cytogenetic location: 13q14.3.
Variant type: Duplication.
Coding change: c.4011dup on transcript NM_000053.4 (MANE Select); coding-DNA position 4011, one base duplicated (C; older notation c.4011dupC).
Protein change: p.Ile1338fs; shifts the reading frame from isoleucine 1338.
Molecular consequence: frameshift variant.
Genome position (GRCh38, 1-based): chr13:51,937,286, G duplicated on the plus strand (C on the coding strand, the reverse complement: ATP7B is on the minus strand); the first of 3 consecutive G bases (chr13:51,937,286-51,937,288); duplicating any one gives the same sequence. VCF-style (leftmost placement, unchanged base first): chr13-51937285-T-TG. GRCh37 (hg19) VCF-style: chr13-52511421-T-TG.
Other names: c.3867dup, p.Ile1290fs (NM_001406520.1, NM_001406521.1, NM_001406522.1); c.3828dup, p.Ile1277fs (NM_001406523.1); c.3834dup, p.Ile1279fs (NM_001406524.1); c.3816dup, p.Ile1273fs (NM_001406525.1); c.3807dup, p.Ile1270fs (NM_001406526.1); c.3777dup, p.Ile1260fs (NM_001406527.1, NM_001330578.2, NM_001406528.1); c.3390dup, p.Ile1131fs (NM_001005918.3); c.3678dup, p.Ile1227fs (NM_001243182.2); and 21 more; short protein forms I1057fs, I1111fs, I1122fs, I1131fs, I1144fs, I1174fs, I1176fs, I1189fs.
Identifiers: ClinVar variation 3075811 (VCV003075811.1), dbSNP rs2547563850, ClinGen allele CA2623119054.